The following is an entry in ClinVar:

ClinVar aggregate classification (germline): Likely pathogenic (1 of 4 stars; one submission).

Submission:

Labcorp Genetics (formerly Invitae), Labcorp
Classification: Likely pathogenic. Last evaluated: 2022-11-04. Review status: criteria provided, single submitter. Criteria: Invitae Variant Classification Sherloc (09022015). Collection method: clinical testing. Allele origin: germline.
Comment: In summary, the currently available evidence indicates that the variant is pathogenic, but additional data are needed to prove that conclusively. Therefore, this variant has been classified as Likely Pathogenic. Advanced modeling of protein sequence and biophysical properties (such as structural, functional, and spatial information, amino acid conservation, physicochemical variation, residue mobility, and thermodynamic stability) performed at Invitae indicates that this missense variant is expected to disrupt PHEX protein function. This missense change has been observed in individuals with clinical features of X-linked hypophosphatemia (PMID: 34141703; Invitae). This variant is not present in population databases (gnomAD no frequency). This sequence change replaces valine, which is neutral and non-polar, with aspartic acid, which is acidic and polar, at codon 472 of the PHEX protein (p.Val472Asp).

Literature cited by the submitters: PubMed 34141703.

NM_000444.6(PHEX):c.1415T>A (p.Val472Asp)

Genes: PHEX (phosphate regulating endopeptidase X-linked; plus strand), PHEX-AS1 (PHEX antisense RNA 1; minus strand). Cytogenetic location: Xp22.11.
Variant type: single nucleotide variant.
Coding change: c.1415T>A on transcript NM_000444.6 (MANE Select); coding-DNA position 1415, T replaced by A.
Protein change: p.Val472Asp; replaces valine 472 with aspartic acid.
Molecular consequence: missense variant.
Genome position (GRCh38, 1-based): chrX:22,168,322, T>A. VCF-style: chrX-22168322-T-A. GRCh37 (hg19) VCF-style: chrX-22186439-T-A.
Other names: c.1415T>A, p.Val472Asp (NM_001282754.2); short protein forms V472D.
Identifiers: ClinVar variation 2780461 (VCV002780461.3), dbSNP rs2518593055, ClinGen allele CA412573960.